The following is an entry in ClinVar:

NM_000447.3(PSEN2):c.277G>A (p.Val93Met)

Gene: PSEN2 (presenilin 2; plus strand). Cytogenetic location: 1q42.13.
Variant type: single nucleotide variant.
Coding change: c.277G>A on transcript NM_000447.3 (MANE Select); coding-DNA position 277, G replaced by A.
Protein change: p.Val93Met; replaces valine 93 with methionine.
Molecular consequence: missense variant.
Genome position (GRCh38, 1-based): chr1:226,883,840, G>A. VCF-style: chr1-226883840-G-A. GRCh37 (hg19) VCF-style: chr1-227071541-G-A.
Other names: c.277G>A, p.Val93Met (NM_012486.3); short protein forms V93M.
Identifiers: ClinVar variation 1401811 (VCV001401811.6), dbSNP rs2102672691, ClinGen allele CA345329749.

ClinVar aggregate classification (germline): Uncertain significance (1 of 4 stars; one submission).

Conditions:
Alzheimer disease 4 (AD4). Identifiers: Orphanet 1020, MedGen C1847200, MONDO:0011743, OMIM 606889.

Allele frequency attached by ClinVar (database versions not stated): gnomAD exomes below 0.00001.

Submission:

Labcorp Genetics (formerly Invitae), Labcorp
Classification: Uncertain significance for Alzheimer disease 4. Last evaluated: 2021-10-31. Review status: criteria provided, single submitter. Criteria: Invitae Variant Classification Sherloc (09022015). Collection method: clinical testing. Allele origin: germline.
Comment: In summary, the available evidence is currently insufficient to determine the role of this variant in disease. Therefore, it has been classified as a Variant of Uncertain Significance. Algorithms developed to predict the effect of missense changes on protein structure and function are either unavailable or do not agree on the potential impact of this missense change (SIFT: "Deleterious"; PolyPhen-2: "Probably Damaging"; Align-GVGD: "Class C15"). This variant has not been reported in the literature in individuals affected with PSEN2-related conditions. This variant is not present in population databases (gnomAD no frequency). This sequence change replaces valine, which is neutral and non-polar, with methionine, which is neutral and non-polar, at codon 93 of the PSEN2 protein (p.Val93Met).